The following is an entry in ClinVar:

NM_000760.4(CSF3R):c.2381C>T (p.Ala794Val)

Gene: CSF3R (colony stimulating factor 3 receptor; minus strand). Cytogenetic location: 1p34.3.
Variant type: single nucleotide variant.
Coding change: c.2381C>T on transcript NM_000760.4 (MANE Select); coding-DNA position 2381, C replaced by T.
Protein change: p.Ala794Val; replaces alanine 794 with valine.
Molecular consequence: missense variant. On other transcripts: intron variant (1).
Genome position (GRCh38, 1-based): chr1:36,466,487, G>A on the plus strand (C>T on the coding strand, the complement: CSF3R is on the minus strand). VCF-style: chr1-36466487-G-A. GRCh37 (hg19) VCF-style: chr1-36932088-G-A.
Other names: c.2462C>T, p.Ala821Val (NM_156039.3); c.2247+134C>T (NM_172313.3); short protein forms A821V, A794V.
Identifiers: ClinVar variation 962850 (VCV000962850.7), dbSNP rs1183274433, ClinGen allele CA339412980.

ClinVar aggregate classification (germline): Uncertain significance (1 of 4 stars; one submission).

Conditions:
Autosomal recessive severe congenital neutropenia due to CSF3R deficiency. Also called: Neutropenia, severe congenital, 7, autosomal recessive. Identifiers: Orphanet 420702, MedGen C4310764, MONDO:0014865, OMIM 617014.

Allele frequency attached by ClinVar (database versions not stated): gnomAD exomes below 0.00001.
gnomAD v4.1: 1 of 1,611,468 alleles (0.000062%); highest among the groups gnomAD compares: Admixed American, 0.0017%; no homozygotes.

Submission:

Labcorp Genetics (formerly Invitae), Labcorp
Classification: Uncertain significance for Autosomal recessive severe congenital neutropenia due to CSF3R deficiency. Last evaluated: 2024-02-24. Review status: criteria provided, single submitter. Criteria: Invitae Variant Classification Sherloc (09022015). Collection method: clinical testing. Allele origin: germline.
Comment: This sequence change replaces alanine, which is neutral and non-polar, with valine, which is neutral and non-polar, at codon 794 of the CSF3R protein (p.Ala794Val). This variant is not present in population databases (gnomAD no frequency). This variant has not been reported in the literature in individuals affected with CSF3R-related conditions. ClinVar contains an entry for this variant (Variation ID: 962850). An algorithm developed to predict the effect of missense changes on protein structure and function (PolyPhen-2) suggests that this variant is likely to be tolerated. Algorithms developed to predict the effect of sequence changes on RNA splicing suggest that this variant may create or strengthen a splice site. In summary, the available evidence is currently insufficient to determine the role of this variant in disease. Therefore, it has been classified as a Variant of Uncertain Significance.